The following is an entry in ClinVar:

NM_024548.4(CEP97):c.2554T>C (p.Cys852Arg)

Gene: CEP97 (centrosomal protein 97; plus strand). Cytogenetic location: 3q12.3.
Variant type: single nucleotide variant.
Coding change: c.2554T>C on transcript NM_024548.4 (MANE Select); coding-DNA position 2554, T replaced by C.
Protein change: p.Cys852Arg; replaces cysteine 852 with arginine.
Molecular consequence: missense variant.
Genome position (GRCh38, 1-based): chr3:101,765,507, T>C. VCF-style: chr3-101765507-T-C. GRCh37 (hg19) VCF-style: chr3-101484351-T-C.
Other names: c.2377T>C, p.Cys793Arg (NM_001303401.2); c.2452T>C, p.Cys818Arg (NM_001410784.1); c.2275T>C, p.Cys759Arg (NM_001410785.1); short protein forms C793R, C818R, C852R, C759R.
Identifiers: ClinVar variation 3143109 (VCV003143109.3), dbSNP rs200243786, ClinGen allele CA2522343.

ClinVar aggregate classification (germline): Uncertain significance. Review status: criteria provided, multiple submitters, no conflicts (2 of 4 stars). 2 submissions from 2 submitters: Uncertain significance (2). Last evaluated 2024-08-02.

Allele frequency attached by ClinVar (database versions not stated): gnomAD 0.00003; TOPMed 0.00003; ExAC 0.00010; gnomAD exomes 0.00011; 1000 Genomes Project 30x 0.00016; 1000 Genomes Project 0.00020.
gnomAD v4.1: 164 of 1,613,872 alleles (0.01%); highest among the groups gnomAD compares: East Asian, 0.35%; 2 homozygotes.

Submissions (2):

Labcorp Genetics (formerly Invitae), Labcorp
Classification: Uncertain significance. Last evaluated: 2024-08-02. Review status: criteria provided, single submitter. Criteria: Invitae Variant Classification Sherloc (09022015). Collection method: clinical testing. Allele origin: germline.
Comment: This sequence change replaces cysteine, which is neutral and slightly polar, with arginine, which is basic and polar, at codon 852 of the CEP97 protein (p.Cys852Arg). This variant is present in population databases (rs200243786, gnomAD 0.1%), and has an allele count higher than expected for a pathogenic variant. This variant has not been reported in the literature in individuals affected with CEP97-related conditions. An algorithm developed to predict the effect of missense changes on protein structure and function outputs the following: PolyPhen-2: "Benign". The arginine amino acid residue is found in multiple mammalian species, which suggests that this missense change does not adversely affect protein function. In summary, the available evidence is currently insufficient to determine the role of this variant in disease. Therefore, it has been classified as a Variant of Uncertain Significance.

Ambry Genetics
Classification: Uncertain significance. Last evaluated: 2023-12-15. Review status: criteria provided, single submitter. Criteria: Ambry Variant Classification Scheme 2023. Collection method: clinical testing. Allele origin: germline.